The following is an entry in ClinVar:

NM_001943.5(DSG2):c.1911C>T (p.Cys637=)

Gene: DSG2 (desmoglein 2; plus strand). Cytogenetic location: 18q12.1.
Variant type: single nucleotide variant.
Coding change: c.1911C>T on transcript NM_001943.5 (MANE Select); coding-DNA position 1911, C replaced by T.
Protein change: p.Cys637=; no amino-acid change (cysteine 637 retained).
Molecular consequence: synonymous variant.
Genome position (GRCh38, 1-based): chr18:31,541,224, C>T. VCF-style: chr18-31541224-C-T. GRCh37 (hg19) VCF-style: chr18-29121187-C-T.
Other names: p.C637C:TGC>TGT.
Identifiers: ClinVar variation 44292 (VCV000044292.36), dbSNP rs201654341, ClinGen allele CA021616.

ClinVar aggregate classification (germline): Benign/Likely benign. Review status: criteria provided, multiple submitters, no conflicts (2 of 4 stars). 14 submissions from 14 submitters: Benign (7); Likely benign (2). 5 of the submissions do not count toward it. Last evaluated 2026-02-03.

Conditions:
Cardiovascular phenotype. Identifiers: MedGen CN230736.
DSG2-related disorder. Also called: DSG2-related condition.
Cardiomyopathy (CMYO). Also called: Cardiomyopathies. Identifiers: Orphanet 167848, MedGen C0878544, MONDO:0004994, HP:0001638. Inheritance: Various modes of inheritance.
Arrhythmogenic right ventricular dysplasia 10. Also called: Arrhythmogenic right ventricular dysplasia/cardiomyopathy, type 10; Arrhythmogenic Right Ventricular Dysplasia/Cardiomyopathy10; ARRHYTHMOGENIC RIGHT VENTRICULAR DYSPLASIA, FAMILIAL, 10. Identifiers: MedGen C1857777, MONDO:0012434, OMIM 610193.

Allele frequency attached by ClinVar (database versions not stated): gnomAD 0.00004 and 0.00066; TOPMed 0.00013; gnomAD exomes 0.00123 and 0.00261; ExAC 0.00289; 1000 Genomes Project 30x 0.00453; 1000 Genomes Project 0.00459.
gnomAD v4.1: 1,885 of 1,614,118 alleles (0.12%); highest among the groups gnomAD compares: South Asian, 1.9%; 35 homozygotes.

Submissions (14):

Labcorp Genetics (formerly Invitae), Labcorp
Classification: Benign for Arrhythmogenic right ventricular dysplasia 10. Last evaluated: 2026-02-03. Review status: criteria provided, single submitter. Criteria: Invitae Variant Classification Sherloc (09022015). Collection method: clinical testing. Allele origin: germline.

Molecular Diagnostic Laboratory for Inherited Cardiovascular Disease, Montreal Heart Institute
Classification: Benign. Last evaluated: 2025-04-09. Review status: criteria provided, single submitter. Criteria: ACMG Guidelines, 2015. Collection method: clinical testing. Allele origin: germline. Affected: no.

Women's Health and Genetics/Laboratory Corporation of America, LabCorp
Classification: Benign. Last evaluated: 2024-11-26. Review status: criteria provided, single submitter. Criteria: LabCorp Variant Classification Summary - May 2015. Collection method: clinical testing. Allele origin: germline.

CHEO Genetics Diagnostic Laboratory, Children's Hospital of Eastern Ontario
Classification: Benign for Cardiomyopathy. Last evaluated: 2023-06-19. Review status: criteria provided, single submitter. Criteria: ACMG Guidelines, 2015. Collection method: clinical testing. Allele origin: germline.

Color Diagnostics, LLC DBA Color Health
Classification: Benign for Cardiomyopathy. Last evaluated: 2018-04-08. Review status: criteria provided, single submitter. Criteria: ACMG Guidelines, 2015. Collection method: clinical testing. Allele origin: germline.

Illumina Laboratory Services, Illumina
Classification: Likely benign for Arrhythmogenic right ventricular dysplasia 10. Last evaluated: 2018-01-12. Review status: criteria provided, single submitter. Criteria: ICSL Variant Classification Criteria 13 December 2019. Collection method: clinical testing. Allele origin: germline.
Comment: This variant was observed in the ICSL laboratory as part of a predisposition screen in an ostensibly healthy population. It had not been previously curated by ICSL or reported in the Human Gene Mutation Database (HGMD: prior to June 1st, 2018), and was therefore a candidate for classification through an automated scoring system. Utilizing variant allele frequency, disease prevalence and penetrance estimates, and inheritance mode, an automated score was calculated to assess if this variant is too frequent to cause the disease. Based on the score and internal cut-off values, a variant classified as likely benign is not then subjected to further curation. The score for this variant resulted in a classification of likely benign for this disease.

Ambry Genetics
Classification: Benign for Cardiovascular phenotype. Last evaluated: 2017-04-07. Review status: criteria provided, single submitter. Criteria: Ambry Variant Classification Scheme 2023. Collection method: clinical testing. Allele origin: germline.

GeneDx
Classification: Benign. Last evaluated: 2013-01-10. Review status: criteria provided, single submitter. Criteria: GeneDx Variant Classification (06012015). Collection method: clinical testing. Allele origin: germline. Affected: yes.
Comment: This variant is considered likely benign or benign based on one or more of the following criteria: it is a conservative change, it occurs at a poorly conserved position in the protein, it is predicted to be benign by multiple in silico algorithms, and/or has population frequency not consistent with disease.

Laboratory for Molecular Medicine, Mass General Brigham Personalized Medicine
Classification: Likely benign. Last evaluated: 2012-02-21. Review status: criteria provided, single submitter. Criteria: LMM Criteria. Collection method: clinical testing. Allele origin: germline. Observed: 3 variant alleles.
Comment: Cys637Cys in exon 13 of DSG2: This variant is not expected to have clinical sign ificance because it does not alter an amino acid residue and is not located with in the splice consensus sequence. Cys637Cys in exon 13 of DSG2 (allele frequenc y = n/a)

PreventionGenetics, part of Exact Sciences
Classification: Benign for DSG2-related condition. Last evaluated: 2024-02-07. Review status: no assertion criteria provided. Collection method: clinical testing. Allele origin: germline. Not counted in ClinVar's aggregate classification.
Comment: This variant is classified as benign based on ACMG/AMP sequence variant interpretation guidelines (Richards et al. 2015 PMID: 25741868, with internal and published modifications).

Clinical Genetics DNA and cytogenetics Diagnostics Lab, Erasmus MC, Erasmus Medical Center
Classification: Likely benign. Review status: no assertion criteria provided. Collection method: clinical testing. Allele origin: germline. Affected: yes. Study: VKGL Data-share Consensus. Not counted in ClinVar's aggregate classification.

Clinical Genetics, Academic Medical Center
Classification: Benign. Review status: no assertion criteria provided. Collection method: clinical testing. Allele origin: germline. Affected: yes. Study: VKGL Data-share Consensus. Not counted in ClinVar's aggregate classification.

Genome Diagnostics Laboratory, University Medical Center Utrecht
Classification: Benign. Review status: no assertion criteria provided. Collection method: clinical testing. Allele origin: germline. Affected: yes. Study: VKGL Data-share Consensus. Not counted in ClinVar's aggregate classification.

Joint Genome Diagnostic Labs from Nijmegen and Maastricht, Radboudumc and MUMC+
Classification: Benign. Review status: no assertion criteria provided. Collection method: clinical testing. Allele origin: germline. Affected: yes. Study: VKGL Data-share Consensus. Not counted in ClinVar's aggregate classification.